The following is an entry in ClinVar:

NM_007325.5(GRIA3):c.842A>G (p.Gln281Arg)

Gene: GRIA3 (glutamate ionotropic receptor AMPA type subunit 3; plus strand). Cytogenetic location: Xq25.
Variant type: single nucleotide variant.
Coding change: c.842A>G on transcript NM_007325.5 (MANE Select); coding-DNA position 842, A replaced by G.
Protein change: p.Gln281Arg; replaces glutamine 281 with arginine.
Molecular consequence: missense variant.
Genome position (GRCh38, 1-based): chrX:123,395,059, A>G. VCF-style: chrX-123395059-A-G. GRCh37 (hg19) VCF-style: chrX-122528910-A-G.
Other names: c.842A>G, p.Gln281Arg (NM_000828.5); short protein forms Q281R.
Identifiers: ClinVar variation 1311701 (VCV001311701.6), dbSNP rs1375546523, ClinGen allele CA414257440.

ClinVar aggregate classification (germline): Uncertain significance. Review status: criteria provided, multiple submitters, no conflicts (2 of 4 stars). 2 submissions from 2 submitters: Uncertain significance (2). Last evaluated 2023-11-03.

Allele frequency attached by ClinVar (database versions not stated): TOPMed 0.00001; gnomAD 0.00003.
gnomAD v4.1: 3 of 1,203,125 alleles (0.00025%); highest among the groups gnomAD compares: African/African-American, 0.0035%; no homozygotes.

Submissions (2):

Labcorp Genetics (formerly Invitae), Labcorp
Classification: Uncertain significance. Last evaluated: 2023-11-03. Review status: criteria provided, single submitter. Criteria: Invitae Variant Classification Sherloc (09022015). Collection method: clinical testing. Allele origin: germline.
Comment: This sequence change replaces glutamine, which is neutral and polar, with arginine, which is basic and polar, at codon 281 of the GRIA3 protein (p.Gln281Arg). This variant is present in population databases (no rsID available, gnomAD 0.02%). This variant has not been reported in the literature in individuals affected with GRIA3-related conditions. ClinVar contains an entry for this variant (Variation ID: 1311701). Advanced modeling of protein sequence and biophysical properties (such as structural, functional, and spatial information, amino acid conservation, physicochemical variation, residue mobility, and thermodynamic stability) performed at Invitae indicates that this missense variant is not expected to disrupt GRIA3 protein function with a negative predictive value of 80%. In summary, the available evidence is currently insufficient to determine the role of this variant in disease. Therefore, it has been classified as a Variant of Uncertain Significance.

GeneDx
Classification: Uncertain significance. Last evaluated: 2023-07-09. Review status: criteria provided, single submitter. Criteria: GeneDx Variant Classification Process June 2021. Collection method: clinical testing. Allele origin: germline. Affected: yes.
Comment: Has not been previously published as pathogenic or benign to our knowledge; In silico analysis supports that this missense variant does not alter protein structure/function